The following is an entry in ClinVar:

NM_024422.6(DSC2):c.577_590del (p.Gly193fs)

Gene: DSC2 (desmocollin 2; minus strand). Cytogenetic location: 18q12.1.
Variant type: Deletion.
Coding change: c.577_590del on transcript NM_024422.6 (MANE Select); coding-DNA positions 577 to 590, 14 bases deleted (GGAAACTTGTATTG).
Protein change: p.Gly193fs; shifts the reading frame from glycine 193.
Molecular consequence: frameshift variant.
Genome position (GRCh38, 1-based): chr18:31,089,479-31,089,492, CAATACAAGTTTCC deleted on the plus strand (GGAAACTTGTATTG on the coding strand, the reverse complement: DSC2 is on the minus strand). VCF-style (leftmost placement, unchanged base first): chr18-31089478-ACAATACAAGTTTCC-A. GRCh37 (hg19) VCF-style: chr18-28669441-ACAATACAAGTTTCC-A.
Other names: c.148_161del, p.Gly50fs (NM_001406506.1, NM_001406507.1); c.577_590del, p.Gly193fs (NM_004949.5); short protein forms G193fs, G50fs.
Identifiers: ClinVar variation 4757464 (VCV004757464.1).

ClinVar aggregate classification (germline): Uncertain significance (1 of 4 stars; one submission).

Conditions:
Cardiomyopathy (CMYO). Also called: Cardiomyopathies. Identifiers: Orphanet 167848, MedGen C0878544, MONDO:0004994, HP:0001638. Inheritance: Various modes of inheritance.

Submission:

Color Diagnostics, LLC DBA Color Health
Classification: Uncertain significance for Cardiomyopathy. Last evaluated: 2025-07-02. Review status: criteria provided, single submitter. Criteria: ACMG Guidelines, 2015. Collection method: clinical testing. Allele origin: germline.
Comment: This variant deletes 14 nucleotides in exon 5 of the DSC2 gene, creating a frameshift and premature translation stop signal. This variant is expected to result in an absent or non-functional protein product. To our knowledge, this variant has not been reported in individuals affected with DSC2-related disorders in the literature. This variant has not been identified in the general population by the Genome Aggregation Database (gnomAD). Clinical relevance of loss-of-function DSC2 truncation variants in autosomal dominant cardiovascular disorders is not clearly established. The available evidence is insufficient to determine the role of this variant in disease conclusively. Therefore, this variant is classified as a Variant of Uncertain Significance.